The following continues an entry in ClinVar:

NM_000051.4(ATM):c.8560C>T (p.Arg2854Cys)

ClinVar aggregate classification (germline): Conflicting classifications of pathogenicity. Uncertain significance (17); Benign (1); Likely benign (5). ClinVar aggregate classification (oncogenicity): Uncertain significance.

Submissions 13 to 30 of 30:

Baylor Genetics
Classification: Uncertain significance for Familial cancer of breast. Last evaluated: 2024-03-17. Review status: criteria provided, single submitter. Criteria: ACMG Guidelines, 2015. Collection method: clinical testing. Allele origin: unknown.

Hereditary Cancer Laboratory, Hospital Universitario 12 de Octubre
Classification: Uncertain significance for Hereditary cancer-predisposing syndrome. Last evaluated: 2024-02-26. Review status: criteria provided, single submitter. Criteria: ACMG Guidelines, 2015. Collection method: clinical testing. Allele origin: germline.
Comment: PM1+PM2+PP3

Fulgent Genetics
Classification: Uncertain significance for Familial cancer of breast; Ataxia-telangiectasia syndrome. Last evaluated: 2024-02-18. Review status: criteria provided, single submitter. Criteria: ACMG Guidelines, 2015. Collection method: clinical testing. Allele origin: germline.

Ambry Genetics
Classification: Likely benign for Hereditary cancer-predisposing syndrome. Last evaluated: 2023-11-01. Review status: criteria provided, single submitter. Criteria: Ambry Variant Classification Scheme 2023. Collection method: clinical testing. Allele origin: germline.

CHEO Genetics Diagnostic Laboratory, Children's Hospital of Eastern Ontario
Classification: Uncertain significance for Breast and/or ovarian cancer. Last evaluated: 2023-03-13. Review status: criteria provided, single submitter. Criteria: ACMG Guidelines, 2015. Collection method: clinical testing. Allele origin: germline.

Athena Diagnostics
Classification: Uncertain significance. Last evaluated: 2022-11-08. Review status: criteria provided, single submitter. Criteria: Athena Diagnostics Criteria. Collection method: clinical testing. Allele origin: unknown.
Comment: Available data are insufficient to determine the clinical significance of the variant at this time. The frequency of this variant in the general population is higher than would generally be expected for pathogenic variants in this gene. Computational tools predict that this variant is damaging.

Laboratorio de Genetica e Diagnostico Molecular, Hospital Israelita Albert Einstein
Classification: Uncertain significance for Familial cancer of breast. Last evaluated: 2022-08-02. Review status: criteria provided, single submitter. Criteria: ACMG Guidelines, 2015. Collection method: clinical testing. Allele origin: germline. Affected: yes. Observed: 1 variant allele.
Comment: ACMG classification criteria: PM2 supporting, PP3 supporting

Sema4
Classification: Uncertain significance for Hereditary cancer-predisposing syndrome. Last evaluated: 2021-12-16. Review status: criteria provided, single submitter. Criteria: Sema4 Curation Guidelines. Collection method: curation. Allele origin: germline.
Comment: The ATM c.8560C>T (p.R2854C) variant has been reported in individuals with breast cancer, colorectal cancer, chronic lymphocytic leukemia, and prostate cancer (PMID: 30303537, 30256826, 29659569, 28652578, 28135145, 26901136, 25186627, 20305132, 34646395) but also reported in controls (PMID: 28652578). Additionally, in a large case-control study the variant was observed in 14/60466 breast cancer cases and in 13/53461 controls (PMID: 33471991). It was observed in 16/35400 chromosomes of the Latino subpopulation in the large and broad cohorts of the Genome Aggregation Database (PMID: 32461654). This variant has been reported in ClinVar (Variation ID 142147). In silico tools suggest the impact of the variant on protein function is deleterious though these predictions have not been confirmed by functional studies. The evidence is insufficient to meet ACMG/AMP criteria for classifying the variant as benign or pathogenic. Thus, the clinical significance of this variant is currently uncertain.

GeneKor MSA
Classification: Uncertain significance for Hereditary cancer-predisposing syndrome. Last evaluated: 2018-08-01. Review status: criteria provided, single submitter. Criteria: ACMG Guidelines, 2015. Collection method: clinical testing. Allele origin: germline. Affected: yes.

Center of Genomic medicine, Geneva, University Hospital of Geneva
Classification: Uncertain significance for Familial cancer of breast. Last evaluated: 2017-08-07. Review status: criteria provided, single submitter. Criteria: ACMG Guidelines, 2015. Collection method: clinical testing. Allele origin: germline. Affected: yes.

Eurofins Ntd Llc (ga)
Classification: Uncertain significance. Last evaluated: 2015-03-30. Review status: criteria provided, single submitter. Criteria: EGL Classification Definitions 2015. Collection method: clinical testing. Allele origin: germline.

Laboratory of Medical Genetics Unit, Bambino Gesù Children's Hospital
Classification: Uncertain significance for Astrocytoma IDH-mutant. Review status: criteria provided, single submitter. Criteria: ACMG Guidelines, 2015. Collection method: research. Allele origin: germline. Affected: yes. Observed: 1 heterozygote.

Clinical Genetics DNA and cytogenetics Diagnostics Lab, Erasmus MC, Erasmus Medical Center
Classification: Uncertain significance. Review status: no assertion criteria provided. Collection method: clinical testing. Allele origin: germline. Affected: yes. Study: VKGL Data-share Consensus. Not counted in ClinVar's aggregate classification.

Clinical Genetics Laboratory, Department of Pathology, Netherlands Cancer Institute
Classification: Uncertain significance. Review status: no assertion criteria provided. Collection method: clinical testing. Allele origin: germline. Affected: yes. Study: VKGL Data-share Consensus. Not counted in ClinVar's aggregate classification.

Department of Pathology and Laboratory Medicine, Sinai Health System
Classification: Uncertain significance for Carcinoma of colon. Review status: no assertion criteria provided. Collection method: clinical testing. Allele origin: unknown. Affected: yes. Study: The Canadian Open Genetics Repository (COGR). Not counted in ClinVar's aggregate classification.
Comment: The ATM p.Arg2854Cys variant was identified in 1 of 3258 proband chromosomes (frequency: 0.0003) from individuals or families with breast and/or ovarian cancer and tested negative for BRCA1 and BRCA2 (Paglia 2010). The variant was also identified in the following databases: dbSNP (ID: rs201958469) as â€šÃ„ÃºWith Uncertain significance alleleâ€šÃ„Ã¹, in ClinVar (5x, as uncertain significance by Ambry Genetics, GeneDx, EGL Genetics, Invitae, Color Genomics), and Clinvitae (4x, as uncertain significance by ClinVar, Invitae and EmvClass). The variant was not identified in Cosmic, MutDB, LOVD 3.0, or ATM-LOVD databases. The variant was identified in control databases in 50 of 276788 chromosomes at a frequency of 0.000181 in the following populations: â€šÃ„Ãºotherâ€šÃ„Ã¹ in 4 of 6456 chromosomes (freq. 0.00061), Latino in 16 of 34376 chromosomes (freq. 0.00046), European in 26 of 126370 chromosomes (freq. 0.0002), Finnish in 3 of 25782 chromosomes (freq. 0.00011), and South Asian in 1 of 30778 chromosomes (freq. 0.000032) (Genome Aggregation Consortium Feb 27, 2017). Although the p.Arg2854 residue is not conserved in mammals, computational analyses (PolyPhen-2, SIFT, AlignGVGD, BLOSUM, MutationTaster) suggest that the arginine variant may impact the protein. The variant occurs outside of the splicing consensus sequence and in silico or computational prediction software programs (SpliceSiteFinder, MaxEntScan, NNSPLICE, GeneSplicer, HumanSpliceFinder) do not predict a difference in splicing. In summary, based on the above information the clinical significance of this variant cannot be determined with certainty at this time. This variant is classified as a variant of uncertain significance.

Department of Pathology and Laboratory Medicine, Sinai Health System
Classification: Uncertain significance for Papillary thyroid carcinoma. Review status: no assertion criteria provided. Collection method: clinical testing. Allele origin: unknown. Affected: yes. Study: The Canadian Open Genetics Repository (COGR). Not counted in ClinVar's aggregate classification.
Comment: the same text as in the submission from Department of Pathology and Laboratory Medicine, Sinai Health System above.

Joint Genome Diagnostic Labs from Nijmegen and Maastricht, Radboudumc and MUMC+
Classification: Uncertain significance. Review status: no assertion criteria provided. Collection method: clinical testing. Allele origin: germline. Affected: yes. Study: VKGL Data-share Consensus. Not counted in ClinVar's aggregate classification.

Laboratory of Diagnostic Genome Analysis, Leiden University Medical Center (LUMC)
Classification: Uncertain significance. Review status: no assertion criteria provided. Collection method: clinical testing. Allele origin: germline. Affected: yes. Study: VKGL Data-share Consensus. Not counted in ClinVar's aggregate classification.

Literature cited by the submitters: PubMed 19404735 (cited by 3 submitters); PubMed 20305132 (cited by 4 submitters); PubMed 25186627 (cited by 3 submitters); PubMed 26901136 (cited by 4 submitters); PubMed 28135145 (cited by 4 submitters); PubMed 28717660 (cited by Women's Health and Genetics/Laboratory Corporation of America, LabCorp and Athena Diagnostics); PubMed 26580448 (cited by Women's Health and Genetics/Laboratory Corporation of America, LabCorp); PubMed 28652578 (cited by 3 submitters); PubMed 30256826 (cited by 4 submitters); PubMed 29659569 (cited by 4 submitters); PubMed 30303537 (cited by 3 submitters); PubMed 31159747 (cited by Women's Health and Genetics/Laboratory Corporation of America, LabCorp and Athena Diagnostics); PubMed 30613976 (cited by Women's Health and Genetics/Laboratory Corporation of America, LabCorp and Athena Diagnostics); PubMed 34262154 (cited by Women's Health and Genetics/Laboratory Corporation of America, LabCorp); PubMed 32522261 (cited by Women's Health and Genetics/Laboratory Corporation of America, LabCorp and Athena Diagnostics); PubMed 37262986 (cited by Women's Health and Genetics/Laboratory Corporation of America, LabCorp); PubMed 40105422 (cited by Women's Health and Genetics/Laboratory Corporation of America, LabCorp and Mayo Clinic Laboratories, Mayo Clinic); PubMed 23555315 (cited by Color Diagnostics, LLC DBA Color Health); PubMed 28779002 (cited by 3 submitters); PubMed 33471991 (cited by 3 submitters); PubMed 34646395 (cited by 3 submitters); PubMed 35264596 (cited by Color Diagnostics, LLC DBA Color Health and Athena Diagnostics); PubMed 25085752 (cited by Myriad Genetics, Inc.); PubMed 31742824 (cited by Ambry Genetics); PubMed 32113160 (cited by Athena Diagnostics).